The following is an entry in ClinVar:

NM_031229.4(RBCK1):c.1028C>T (p.Ala343Val)

Gene: RBCK1 (RANBP2-type and C3HC4-type zinc finger containing 1; plus strand). Cytogenetic location: 20p13.
Variant type: single nucleotide variant.
Coding change: c.1028C>T on transcript NM_031229.4 (MANE Select); coding-DNA position 1028, C replaced by T.
Protein change: p.Ala343Val; replaces alanine 343 with valine.
Molecular consequence: missense variant. On other transcripts: non-coding transcript variant (1).
Genome position (GRCh38, 1-based): chr20:422,237, C>T. VCF-style: chr20-422237-C-T. GRCh37 (hg19) VCF-style: chr20-402881-C-T.
Other names: c.518C>T, p.Ala173Val (NM_001323956.2, NM_001323958.2); c.902C>T, p.Ala301Val (NM_006462.6); short protein forms A173V, A301V, A343V.
Identifiers: ClinVar variation 656519 (VCV000656519.7), dbSNP rs1232409954, ClinGen allele CA407931371.

ClinVar aggregate classification (germline): Uncertain significance (1 of 4 stars; one submission).

Conditions:
Polyglucosan body myopathy type 1 (PGBM1). Also called: Polyglucosan body myopathy 1 with or without immunodeficiency; POLYGLUCOSAN BODY MYOPATHY WITHOUT IMMUNODEFICIENCY. Identifiers: Orphanet 329173, Orphanet 397937, MedGen C4014605, MONDO:0014389, OMIM 615895.

Allele frequency attached by ClinVar (database versions not stated): gnomAD exomes below 0.00001; gnomAD 0.00001; TOPMed 0.00001.
gnomAD v4.1: 5 of 1,613,064 alleles (0.00031%); highest among the groups gnomAD compares: Middle Eastern, 0.016%; no homozygotes.

Submission:

Labcorp Genetics (formerly Invitae), Labcorp
Classification: Uncertain significance for Polyglucosan body myopathy type 1. Last evaluated: 2025-03-31. Review status: criteria provided, single submitter. Criteria: Invitae Variant Classification Sherloc (09022015). Collection method: clinical testing. Allele origin: germline.
Comment: This sequence change replaces alanine, which is neutral and non-polar, with valine, which is neutral and non-polar, at codon 343 of the RBCK1 protein (p.Ala343Val). This variant is present in population databases (no rsID available, gnomAD 0.003%). This variant has not been reported in the literature in individuals affected with RBCK1-related conditions. ClinVar contains an entry for this variant (Variation ID: 656519). An algorithm developed to predict the effect of missense changes on protein structure and function (PolyPhen-2) suggests that this variant is likely to be tolerated. Algorithms developed to predict the effect of sequence changes on RNA splicing suggest that this variant may create or strengthen a splice site. In summary, the available evidence is currently insufficient to determine the role of this variant in disease. Therefore, it has been classified as a Variant of Uncertain Significance.